The following is an entry in ClinVar:

NM_000059.4(BRCA2):c.2517C>A (p.Tyr839Ter)

Gene: BRCA2 (BRCA2 DNA repair associated; plus strand). Cytogenetic location: 13q13.1.
Variant type: single nucleotide variant.
Coding change: c.2517C>A on transcript NM_000059.4 (MANE Select); coding-DNA position 2517, C replaced by A.
Protein change: p.Tyr839Ter; replaces tyrosine 839 with a stop codon.
Molecular consequence: nonsense.
Genome position (GRCh38, 1-based): chr13:32,336,872, C>A. VCF-style: chr13-32336872-C-A. GRCh37 (hg19) VCF-style: chr13-32911009-C-A.
Other names: short protein forms Y839*.
Identifiers: ClinVar variation 51299 (VCV000051299.35), dbSNP rs80358516, ClinGen allele CA015526.

ClinVar aggregate classification (germline): Pathogenic. Review status: reviewed by expert panel (3 of 4 stars). 12 submissions from 12 submitters: Pathogenic (1). 11 of the submissions do not count toward it. Last evaluated 2016-09-08.

Conditions:
Hereditary breast ovarian cancer syndrome. Also called: Hereditary breast and ovarian cancer syndrome; Hereditary breast and ovarian cancer; Hereditary breast and ovarian cancer syndrome (HBOC); Breast and ovarian cancer; Hereditary breast and/or ovarian cancer syndrome; BRCA1- and BRCA2-Associated Hereditary Breast and Ovarian Cancer. Identifiers: Orphanet 145, MedGen C0677776, MeSH D061325, MONDO:0003582. Disease mechanism: loss of function.
Familial cancer of breast. Also called: BREAST CANCER, FAMILIAL; Hereditary breast cancer; hereditary breast carcinoma. Identifiers: Orphanet 227535, MedGen C0346153, MONDO:0016419, OMIM 114480. Disease mechanism: loss of function.
Breast-ovarian cancer, familial, susceptibility to, 2 (BROVCA2). Also called: BRCA2 Hereditary Breast and Ovarian Cancer. Identifiers: Orphanet 145, MedGen C2675520, MONDO:0012933, OMIM 612555. Disease mechanism: loss of function.
Breast and/or ovarian cancer. Identifiers: MedGen CN221562.
Hereditary cancer-predisposing syndrome. Also called: Neoplastic Syndromes, Hereditary; Tumor predisposition; Hereditary Cancer Syndrome; Hereditary neoplastic syndrome. Identifiers: Orphanet 140162, MedGen C0027672, MeSH D009386, MONDO:0015356.

Submissions (12):

Evidence-based Network for the Interpretation of Germline Mutant Alleles (ENIGMA)
Classification: Pathogenic for Breast-ovarian cancer, familial, susceptibility to, 2. Last evaluated: 2016-09-08. Review status: reviewed by expert panel. Criteria: ENIGMA BRCA1/2 Classification Criteria (2015). Collection method: curation. Allele origin: germline.
Comment: Variant allele predicted to encode a truncated non-functional protein.

Labcorp Genetics (formerly Invitae), Labcorp
Classification: Pathogenic for Hereditary breast ovarian cancer syndrome. Last evaluated: 2025-08-07. Review status: criteria provided, single submitter. Criteria: Invitae Variant Classification Sherloc (09022015). Collection method: clinical testing. Allele origin: germline. Not counted in ClinVar's aggregate classification.
Comment: This sequence change creates a premature translational stop signal (p.Tyr839*) in the BRCA2 gene. It is expected to result in an absent or disrupted protein product. Loss-of-function variants in BRCA2 are known to be pathogenic (PMID: 20104584). This variant is not present in population databases (gnomAD no frequency). This premature translational stop signal has been observed in individual(s) with increased risk of breast and/or ovarian cancer (PMID: 29446198). ClinVar contains an entry for this variant (Variation ID: 51299). For these reasons, this variant has been classified as Pathogenic.

Color Diagnostics, LLC DBA Color Health
Classification: Pathogenic for Hereditary cancer-predisposing syndrome. Last evaluated: 2025-07-18. Review status: criteria provided, single submitter. Criteria: ACMG Guidelines, 2015. Collection method: clinical testing. Allele origin: germline. Not counted in ClinVar's aggregate classification.
Comment: This variant changes 1 nucleotide in exon 11 of the BRCA2 gene, creating a premature translation stop signal. This variant is expected to result in an absent or non-functional protein product. This variant has been detected in families suspected of having hereditary breast and ovarian cancer (PMID: 28152038, 29446198). This variant has not been identified in the general population by the Genome Aggregation Database (gnomAD). Loss of BRCA2 function is a known mechanism of disease. Based on the available evidence, this variant is classified as Pathogenic.

Institute of Human Genetics Munich, TUM University Hospital
Classification: Pathogenic for Breast-ovarian cancer, familial, susceptibility to, 2. Last evaluated: 2024-12-23. Review status: criteria provided, single submitter. Criteria: Classification criteria August 2017. Collection method: clinical testing. Allele origin: germline. Inheritance: Autosomal dominant inheritance. Affected: yes. Observed: 1 variant allele. Not counted in ClinVar's aggregate classification.

All of Us Research Program, National Institutes of Health
Classification: Pathogenic for Breast-ovarian cancer, familial, susceptibility to, 2. Last evaluated: 2023-12-13. Review status: criteria provided, single submitter. Criteria: ACMG Guidelines, 2015. Collection method: clinical testing. Allele origin: germline. Inheritance: Autosomal dominant inheritance. Observed: 1 variant allele, 1 heterozygote. Not counted in ClinVar's aggregate classification.
Comment: This variant changes 1 nucleotide in exon 11 of the BRCA2 gene, creating a premature translation stop signal. This variant is expected to result in an absent or non-functional protein product. This variant has been detected in families suspected of having hereditary breast and ovarian cancer (PMID: 28152038, 29446198). This variant has not been identified in the general population by the Genome Aggregation Database (gnomAD). Loss of BRCA2 function is a known mechanism of disease. Based on the available evidence, this variant is classified as Pathogenic.

This study involves interpretation of variants in research participants for the purpose of population health screening. Participant phenotype was not available at the time of variant classification. Additional details can be found in publication PMID: 35346344, PMCID: PMC8962531

Baylor Genetics
Classification: Pathogenic for Familial cancer of breast. Last evaluated: 2023-11-14. Review status: criteria provided, single submitter. Criteria: ACMG Guidelines, 2015. Collection method: clinical testing. Allele origin: unknown. Not counted in ClinVar's aggregate classification.

Quest Diagnostics Nichols Institute San Juan Capistrano
Classification: Pathogenic. Last evaluated: 2023-01-31. Review status: criteria provided, single submitter. Criteria: Quest Diagnostics criteria. Collection method: clinical testing. Allele origin: unknown. Not counted in ClinVar's aggregate classification.
Comment: This nonsense variant causes the premature termination of BRCA2 protein synthesis. It has not been reported in large, multi-ethnic general populations. In the published literature, the variant has been reported in high-risk breast and ovarian cancer families (PMID: 29446198 (2018)). Based on the available information, this variant is classified as pathogenic.

Ambry Genetics
Classification: Pathogenic for Hereditary cancer-predisposing syndrome. Last evaluated: 2022-11-29. Review status: criteria provided, single submitter. Criteria: Ambry Variant Classification Scheme 2023. Collection method: clinical testing. Allele origin: germline. Not counted in ClinVar's aggregate classification.
Comment: The p.Y839* pathogenic mutation (also known as c.2517C>A), located in coding exon 10 of the BRCA2 gene, results from a C to A substitution at nucleotide position 2517. This changes the amino acid from a tyrosine to a stop codon within coding exon 10. This alteration was identified twice in a large, worldwide study of BRCA1/2 mutation positive families (Rebbeck TR et al. Hum. Mutat., 2018 05;39:593-620). In addition to the clinical data presented in the literature, this alteration is expected to result in loss of function by premature protein truncation or nonsense-mediated mRNA decay. As such, this alteration is interpreted as a disease-causing mutation.

GeneDx
Classification: Pathogenic. Last evaluated: 2022-09-26. Review status: criteria provided, single submitter. Criteria: GeneDx Variant Classification Process June 2021. Collection method: clinical testing. Allele origin: germline. Affected: yes. Not counted in ClinVar's aggregate classification.
Comment: Nonsense variant predicted to result in protein truncation or nonsense mediated decay in a gene for which loss-of-function is a known mechanism of disease; Observed in several families with Hereditary Breast and Ovarian Cancer syndrome (LaDuca et al., 2017; Rebbeck et al., 2018); Truncating variants in this gene are considered pathogenic by a well-established clinical consortium and/or database; Not observed at significant frequency in large population cohorts (gnomAD); Also known as 2745C>A; This variant is associated with the following publications: (PMID: 28152038, 29446198, 32295079)

Consortium of Investigators of Modifiers of BRCA1/2 (CIMBA), c/o University of Cambridge
Classification: Pathogenic for Breast-ovarian cancer, familial, susceptibility to, 2. Last evaluated: 2015-10-02. Review status: criteria provided, single submitter. Criteria: CIMBA Mutation Classification guidelines May 2016. Collection method: clinical testing. Allele origin: germline. Not counted in ClinVar's aggregate classification.

CZECANCA consortium
Classification: Pathogenic for Breast and/or ovarian cancer. Last evaluated: 2019-06-11. Review status: no assertion criteria provided. Collection method: clinical testing. Allele origin: germline. Affected: yes. Observed: 1 variant allele. Not counted in ClinVar's aggregate classification.

Breast Cancer Information Core (BIC) (BRCA2)
Classification: Pathogenic for Breast-ovarian cancer, familial 2. Last evaluated: 2000-06-12. Review status: no assertion criteria provided. Collection method: clinical testing. Allele origin: germline. Affected: yes. Observed: 2 variant alleles. Not counted in ClinVar's aggregate classification.

Literature cited by the submitters: PubMed 20104584 (cited by Labcorp Genetics (formerly Invitae), Labcorp); PubMed 29446198 (cited by 5 submitters); PubMed 28152038 (cited by 3 submitters); PubMed 32295079 (cited by CZECANCA consortium).